The following is an entry in ClinVar:

NM_004186.5(SEMA3F):c.1746-3C>T

Gene: SEMA3F (semaphorin 3F; plus strand). Cytogenetic location: 3p21.31.
Variant type: single nucleotide variant.
Coding change: c.1746-3C>T on transcript NM_004186.5 (MANE Select); 3 bases into the intron before coding-DNA position 1746, C replaced by T.
Molecular consequence: intron variant.
Genome position (GRCh38, 1-based): chr3:50,186,278, C>T. VCF-style: chr3-50186278-C-T. GRCh37 (hg19) VCF-style: chr3-50223711-C-T.
Other names: c.1449-3C>T (NM_001318798.2); c.1653-3C>T (NM_001318800.2); c.1746-3C>T (NM_004186.4).
Identifiers: ClinVar variation 2653854 (VCV002653854.25), dbSNP rs539049182, ClinGen allele CA2412216.

ClinVar aggregate classification (germline): Likely benign. Review status: criteria provided, single submitter (1 of 4 stars). 2 submissions from 2 submitters: Likely benign (1). 1 of the submissions does not count toward it. Last evaluated 2023-03-01.

Conditions:
SEMA3F-related disorder. Also called: SEMA3F-related condition.

Allele frequency attached by ClinVar (database versions not stated): TOPMed 0.00004; gnomAD 0.00009; gnomAD exomes 0.00019; 1000 Genomes Project 0.00040; ExAC 0.00048; 1000 Genomes Project 30x 0.00062.
gnomAD v4.1: 296 of 1,613,458 alleles (0.018%); highest among the groups gnomAD compares: South Asian, 0.3%; 2 homozygotes.

Submissions (2):

CeGaT Center for Human Genetics Tuebingen
Classification: Likely benign. Last evaluated: 2023-03-01. Review status: criteria provided, single submitter. Criteria: CeGaT Center For Human Genetics Tuebingen Variant Classification Criteria Version 2. Collection method: clinical testing. Allele origin: germline. Affected: yes. Observed: 1 variant allele.
Comment: SEMA3F: BP4

PreventionGenetics, part of Exact Sciences
Classification: Likely benign for SEMA3F-related condition. Last evaluated: 2021-10-07. Review status: no assertion criteria provided. Collection method: clinical testing. Allele origin: germline. Not counted in ClinVar's aggregate classification.
Comment: This variant is classified as likely benign based on ACMG/AMP sequence variant interpretation guidelines (Richards et al. 2015 PMID: 25741868, with internal and published modifications).